The following is an entry in ClinVar:

ClinVar aggregate classification (germline): Uncertain significance (1 of 4 stars; one submission).

Allele frequency attached by ClinVar (database versions not stated): TOPMed 0.00001.

Submission:

Labcorp Genetics (formerly Invitae), Labcorp
Classification: Uncertain significance. Last evaluated: 2022-07-19. Review status: criteria provided, single submitter. Criteria: Invitae Variant Classification Sherloc (09022015). Collection method: clinical testing. Allele origin: germline.
Comment: Algorithms developed to predict the effect of missense changes on protein structure and function (SIFT, PolyPhen-2, Align-GVGD) all suggest that this variant is likely to be disruptive. In summary, the available evidence is currently insufficient to determine the role of this variant in disease. Therefore, it has been classified as a Variant of Uncertain Significance. ClinVar contains an entry for this variant (Variation ID: 1353632). This variant has not been reported in the literature in individuals affected with EYS-related conditions. This variant is not present in population databases (gnomAD no frequency). This sequence change replaces cysteine, which is neutral and slightly polar, with arginine, which is basic and polar, at codon 775 of the EYS protein (p.Cys775Arg).

NM_001142800.2(EYS):c.2323T>C (p.Cys775Arg)

Gene: EYS (EGF-like photoreceptor maintenance factor; minus strand). Cytogenetic location: 6q12.
Variant type: single nucleotide variant.
Coding change: c.2323T>C on transcript NM_001142800.2 (MANE Select); coding-DNA position 2323, T replaced by C.
Protein change: p.Cys775Arg; replaces cysteine 775 with arginine.
Molecular consequence: missense variant.
Genome position (GRCh38, 1-based): chr6:64,945,851, A>G on the plus strand (T>C on the coding strand, the complement: EYS is on the minus strand). VCF-style: chr6-64945851-A-G. GRCh37 (hg19) VCF-style: chr6-65655744-A-G.
Other names: c.2323T>C, p.Cys775Arg (NM_001292009.2); short protein forms C775R.
Identifiers: ClinVar variation 1353632 (VCV001353632.8), dbSNP rs1769270016, ClinGen allele CA364788145.